The following is an entry in ClinVar:

NM_012437.6(SNAPIN):c.313C>T (p.Arg105Ter)

Gene: SNAPIN (SNAP associated protein; plus strand). Cytogenetic location: 1q21.3.
Variant type: single nucleotide variant.
Coding change: c.313C>T on transcript NM_012437.6 (MANE Select); coding-DNA position 313, C replaced by T.
Protein change: p.Arg105Ter; replaces arginine 105 with a stop codon.
Molecular consequence: nonsense. On other transcripts: non-coding transcript variant (2).
Genome position (GRCh38, 1-based): chr1:153,661,203, C>T. VCF-style: chr1-153661203-C-T. GRCh37 (hg19) VCF-style: chr1-153633679-C-T.
Other names: short protein forms R105*.
Identifiers: ClinVar variation 4538552 (VCV004538552.1).

ClinVar aggregate classification (germline): Uncertain significance (1 of 4 stars; one submission).

Conditions:
Neurodevelopmental disorder with structural brain abnormalities and craniofacial abnormalities. Identifiers: MedGen C6065924, MONDO:0980710, OMIM 621393.

gnomAD v4.1: 70 of 1,613,192 alleles (0.0043%); highest among the groups gnomAD compares: South Asian, 0.018%; no homozygotes.

Submission:

Intergen Genetics and Rare Diseases Diagnosis Center
Classification: Uncertain significance for Neurodevelopmental disorder with structural brain abnormalities and craniofacial abnormalities. Last evaluated: 2025-12-20. Review status: criteria provided, single submitter. Criteria: ACMG Guidelines, 2015. Collection method: clinical testing. Allele origin: germline. Inheritance: Autosomal recessive inheritance. Observed: 1 heterozygote.
Comment: PM2_S The variant is present in the gnomAD database at an allele frequency of 0.0043%, with no homozygous individuals reported.